The following is an entry in ClinVar:

ClinVar aggregate classification (germline): Benign/Likely benign. Review status: criteria provided, multiple submitters, no conflicts (2 of 4 stars). 7 submissions from 7 submitters: Benign (2); Likely benign (3). 2 of the submissions do not count toward it. Last evaluated 2026-02-03.

Conditions:
XRCC2-related disorder. Also called: XRCC2-related condition.
Hereditary cancer-predisposing syndrome. Also called: Tumor predisposition; Hereditary neoplastic syndrome; Hereditary Cancer Syndrome; Neoplastic Syndromes, Hereditary. Identifiers: Orphanet 140162, MedGen C0027672, MeSH D009386, MONDO:0015356.

Allele frequency attached by ClinVar (database versions not stated): gnomAD exomes 0.00007 and 0.00038; gnomAD 0.00012 and 0.00014; TOPMed 0.00014; ExAC 0.00029; 1000 Genomes Project 30x 0.00078; 1000 Genomes Project 0.00100.

Submissions (7):

Labcorp Genetics (formerly Invitae), Labcorp
Classification: Benign. Last evaluated: 2026-02-03. Review status: criteria provided, single submitter. Criteria: Invitae Variant Classification Sherloc (09022015). Collection method: clinical testing. Allele origin: germline.

Blueprint Genetics
Classification: Likely benign. Last evaluated: 2024-04-04. Review status: criteria provided, single submitter. Criteria: ACMG Guidelines, 2015. Collection method: clinical testing. Allele origin: germline.

CeGaT Center for Human Genetics Tuebingen
Classification: Likely benign. Last evaluated: 2019-11-01. Review status: criteria provided, single submitter. Criteria: CeGaT Center For Human Genetics Tuebingen Variant Classification Criteria Version 2. Collection method: clinical testing. Allele origin: germline. Affected: yes. Observed: 1 variant allele.

Ambry Genetics
Classification: Likely benign for Hereditary cancer-predisposing syndrome. Last evaluated: 2017-03-10. Review status: criteria provided, single submitter. Criteria: Ambry Variant Classification Scheme 2023. Collection method: clinical testing. Allele origin: germline.

GeneDx
Classification: Benign. Last evaluated: 2014-05-29. Review status: criteria provided, single submitter. Criteria: GeneDx Variant Classification (06012015). Collection method: clinical testing. Allele origin: germline. Affected: yes.
Comment: This variant is considered likely benign or benign based on one or more of the following criteria: it is a conservative change, it occurs at a poorly conserved position in the protein, it is predicted to be benign by multiple in silico algorithms, and/or has population frequency not consistent with disease.

PreventionGenetics, part of Exact Sciences
Classification: Likely benign for XRCC2-related condition. Last evaluated: 2019-03-20. Review status: no assertion criteria provided. Collection method: clinical testing. Allele origin: germline. Not counted in ClinVar's aggregate classification.
Comment: This variant is classified as likely benign based on ACMG/AMP sequence variant interpretation guidelines (Richards et al. 2015 PMID: 25741868, with internal and published modifications).

Leiden Open Variation Database
Classification: Uncertain significance. Last evaluated: 2012-05-02. Review status: no assertion criteria provided. Collection method: curation. Allele origin: germline. Affected: yes. Not counted in ClinVar's aggregate classification.
Comment: Curator: Arleen D. Auerbach. Submitter to LOVD: Johan den Dunnen.

Literature cited by the submitters: PubMed 22464251 (cited by Leiden Open Variation Database).

NM_005431.2(XRCC2):c.354G>A (p.Val118=)

Gene: XRCC2 (X-ray repair cross complementing 2; minus strand). Cytogenetic location: 7q36.1.
Variant type: single nucleotide variant.
Coding change: c.354G>A on transcript NM_005431.2 (MANE Select); coding-DNA position 354, G replaced by A.
Protein change: p.Val118=; no amino-acid change (valine 118 retained).
Molecular consequence: synonymous variant.
Genome position (GRCh38, 1-based): chr7:152,649,131, C>T on the plus strand (G>A on the coding strand, the complement: XRCC2 is on the minus strand). VCF-style: chr7-152649131-C-T. GRCh37 (hg19) VCF-style: chr7-152346216-C-T.
Other names: p.V118V:GTG>GTA.
Identifiers: ClinVar variation 137931 (VCV000137931.58), dbSNP rs558977371, ClinGen allele CA291646.
Genomic context (GRCh38, chr7:152,649,131, plus strand): 5'-ACAAAACATACTTTCTAGTGAGTAAAGTGTAAGAAGTAAGTGGGTGCTACTACTGCAGTA[C>T]ACCAAAAAAAATCTTCCCAGGCAGTATTTGATTATTTCTTCAGAGCTTTGGGATAGTCTG-3'
Protein context (NP_005422.1, residues 108-128): IKYCLGRFFL[Val118=]YCSSSTHLLL